The following is an entry in ClinVar:

ClinVar aggregate classification (germline): Uncertain significance (1 of 4 stars; one submission).

gnomAD v4.1: 4 of 1,613,720 alleles (0.00025%); highest among the groups gnomAD compares: Middle Eastern, 0.033%; no homozygotes.

Submission:

Labcorp Genetics (formerly Invitae), Labcorp
Classification: Uncertain significance. Last evaluated: 2025-07-25. Review status: criteria provided, single submitter. Criteria: Invitae Variant Classification Sherloc (09022015). Collection method: clinical testing. Allele origin: germline.
Comment: This sequence change replaces valine, which is neutral and non-polar, with isoleucine, which is neutral and non-polar, at codon 314 of the TNFAIP3 protein (p.Val314Ile). This variant is present in population databases (rs776397709, gnomAD 0.0009%). This variant has not been reported in the literature in individuals affected with TNFAIP3-related conditions. Invitae Evidence Modeling of protein sequence and biophysical properties (such as structural, functional, and spatial information, amino acid conservation, physicochemical variation, residue mobility, and thermodynamic stability) indicates that this missense variant is not expected to disrupt TNFAIP3 protein function with a negative predictive value of 80%. In summary, the available evidence is currently insufficient to determine the role of this variant in disease. Therefore, it has been classified as a Variant of Uncertain Significance.

NM_001270508.2(TNFAIP3):c.940G>A (p.Val314Ile)

Gene: TNFAIP3 (TNF alpha induced protein 3; plus strand). Cytogenetic location: 6q23.3.
Variant type: single nucleotide variant.
Coding change: c.940G>A on transcript NM_001270508.2 (MANE Select); coding-DNA position 940, G replaced by A.
Protein change: p.Val314Ile; replaces valine 314 with isoleucine.
Molecular consequence: missense variant.
Genome position (GRCh38, 1-based): chr6:137,877,210, G>A. VCF-style: chr6-137877210-G-A. GRCh37 (hg19) VCF-style: chr6-138198347-G-A.
Other names: c.940G>A, p.Val314Ile (NM_001270507.2, NM_006290.4); short protein forms V314I.
Identifiers: ClinVar variation 4701101 (VCV004701101.1).